The following is an entry in ClinVar:

ClinVar aggregate classification (germline): Conflicting classifications of pathogenicity. Review status: criteria provided, conflicting classifications (1 of 4 stars). 2 submissions from 2 submitters: Likely pathogenic (1); Uncertain significance (1). Last evaluated 2023-11-27.

Conditions:
Inborn genetic diseases. Identifiers: MedGen C0950123, MeSH D030342.

Allele frequency attached by ClinVar (database versions not stated): gnomAD exomes below 0.00001 and 0.00001.

Submissions (2):

Labcorp Genetics (formerly Invitae), Labcorp
Classification: Uncertain significance. Last evaluated: 2023-11-27. Review status: criteria provided, single submitter. Criteria: Invitae Variant Classification Sherloc (09022015). Collection method: clinical testing. Allele origin: germline.
Comment: This sequence change replaces tyrosine, which is neutral and polar, with cysteine, which is neutral and slightly polar, at codon 55 of the HIKESHI protein (p.Tyr55Cys). This variant is present in population databases (no rsID available, gnomAD 0.01%). This missense change has been observed in individual(s) with clinical features consistent with hypomyelinating leukodystrophy (Invitae). It has also been observed to segregate with disease in related individuals. ClinVar contains an entry for this variant (Variation ID: 522042). An algorithm developed to predict the effect of missense changes on protein structure and function (PolyPhen-2) suggests that this variant is likely to be disruptive. In summary, the available evidence is currently insufficient to determine the role of this variant in disease. Therefore, it has been classified as a Variant of Uncertain Significance.

Ambry Genetics
Classification: Likely pathogenic for Inborn genetic diseases. Last evaluated: 2017-09-25. Review status: criteria provided, single submitter. Criteria: Ambry exome assertion method (8-5-2015). Collection method: clinical testing. Allele origin: germline. Affected: yes. Observed: 1 variant allele.

Literature cited by the submitters: PubMed 25760597 (cited by Ambry Genetics).

NM_016401.4(HIKESHI):c.164A>G (p.Tyr55Cys)

Gene: HIKESHI (heat shock protein nuclear import factor hikeshi; plus strand). Cytogenetic location: 11q14.2.
Variant type: single nucleotide variant.
Coding change: c.164A>G on transcript NM_016401.4 (MANE Select); coding-DNA position 164, A replaced by G.
Protein change: p.Tyr55Cys; replaces tyrosine 55 with cysteine.
Molecular consequence: missense variant. On other transcripts: non-coding transcript variant (1).
Genome position (GRCh38, 1-based): chr11:86,306,378, A>G. VCF-style: chr11-86306378-A-G. GRCh37 (hg19) VCF-style: chr11-86017420-A-G.
Other names: c.164A>G, p.Tyr55Cys (NM_001322404.2); c.47A>G, p.Tyr16Cys (NM_001322407.2, NM_001322409.2); short protein forms Y55C, Y16C.
Identifiers: ClinVar variation 522042 (VCV000522042.7), dbSNP rs1387003933, ClinGen allele CA382017327.